The following is an entry in ClinVar:

NM_006393.3(NEBL):c.1302C>G (p.Ile434Met)

Gene: NEBL (nebulette; minus strand). Cytogenetic location: 10p12.31.
Variant type: single nucleotide variant.
Coding change: c.1302C>G on transcript NM_006393.3 (MANE Select); coding-DNA position 1302, C replaced by G.
Protein change: p.Ile434Met; replaces isoleucine 434 with methionine.
Molecular consequence: missense variant. On other transcripts: intron variant (9).
Genome position (GRCh38, 1-based): chr10:20,840,775, G>C on the plus strand (C>G on the coding strand, the complement: NEBL is on the minus strand). VCF-style: chr10-20840775-G-C. GRCh37 (hg19) VCF-style: chr10-21129704-G-C.
Other names: p.I434M:ATC>ATG; c.250-27835C>G (NM_001377326.1, NM_001377327.1, NM_001377328.1); c.358-27835C>G (NM_213569.2, NM_001173484.2, NM_001377322.1); c.301-27835C>G (NM_001377324.1); c.292-27835C>G (NM_001377325.1); c.310-27835C>G (NM_001377323.1); short protein forms I434M.
Identifiers: ClinVar variation 45479 (VCV000045479.18), dbSNP rs202112717, ClinGen allele CA136399.

ClinVar aggregate classification (germline): Likely benign. Review status: criteria provided, multiple submitters, no conflicts (2 of 4 stars). 4 submissions from 4 submitters: Likely benign (4). Last evaluated 2026-05-30.

Conditions:
Primary dilated cardiomyopathy (DCM). Also called: Dilated Cardiomyopathy. Identifiers: Orphanet 217604, MedGen C0007193, MeSH D002311, MONDO:0005021, HP:0001644. Inheritance: Various modes of inheritance.

Allele frequency attached by ClinVar (database versions not stated): gnomAD exomes 0.00011 and 0.00044; 1000 Genomes Project 0.00080; gnomAD 0.00016 and 0.00021; TOPMed 0.00027; ExAC 0.00033; 1000 Genomes Project 30x 0.00062.
gnomAD v4.1: 215 of 1,611,798 alleles (0.013%); highest among the groups gnomAD compares: East Asian, 0.39%; no homozygotes.

Submissions (4):

Women's Health and Genetics/Laboratory Corporation of America, LabCorp
Classification: Likely benign. Last evaluated: 2026-05-30. Review status: criteria provided, single submitter. Criteria: LabCorp Variant Classification Summary - May 2015. Collection method: clinical testing. Allele origin: germline.

Labcorp Genetics (formerly Invitae), Labcorp
Classification: Likely benign for Primary dilated cardiomyopathy. Last evaluated: 2026-01-20. Review status: criteria provided, single submitter. Criteria: Invitae Variant Classification Sherloc (09022015). Collection method: clinical testing. Allele origin: germline.

GeneDx
Classification: Likely benign. Last evaluated: 2020-10-15. Review status: criteria provided, single submitter. Criteria: GeneDx Variant Classification Process June 2021. Collection method: clinical testing. Allele origin: germline. Affected: yes.

Laboratory for Molecular Medicine, Mass General Brigham Personalized Medicine
Classification: Likely benign. Last evaluated: 2015-03-11. Review status: criteria provided, single submitter. Criteria: LMM Criteria. Collection method: clinical testing. Allele origin: germline. Observed: 4 variant alleles.
Comment: p.Ile434Met in exon 13 of NEBL: This variant is not expected to have clinical si gnificance because it has been identified in 0.4% (37/8522) of East Asian chromo somes by the Exome Aggregation Consortium (ExAC; dbSNP rs202112717).